The following is an entry in ClinVar:

NM_152296.5(ATP1A3):c.58C>T (p.Arg20Trp)

Gene: ATP1A3 (ATPase Na+/K+ transporting subunit alpha 3; minus strand). Cytogenetic location: 19q13.2.
Variant type: single nucleotide variant.
Coding change: c.58C>T on transcript NM_152296.5 (MANE Select); coding-DNA position 58, C replaced by T.
Protein change: p.Arg20Trp; replaces arginine 20 with tryptophan.
Molecular consequence: missense variant.
Genome position (GRCh38, 1-based): chr19:41,988,511, G>A on the plus strand (C>T on the coding strand, the complement: ATP1A3 is on the minus strand). VCF-style: chr19-41988511-G-A. GRCh37 (hg19) VCF-style: chr19-42492663-G-A.
Other names: c.97C>T (NM_001256214.1); c.91C>T, p.Arg31Trp (NM_001256213.2); c.97C>T, p.Arg33Trp (NM_001256214.2); short protein forms R31W, R20W, R33W.
Identifiers: ClinVar variation 2722902 (VCV002722902.4), dbSNP rs782461379, ClinGen allele CA406057806.

ClinVar aggregate classification (germline): Uncertain significance. Review status: criteria provided, multiple submitters, no conflicts (2 of 4 stars). 2 submissions from 2 submitters: Uncertain significance (2). Last evaluated 2026-07-13.

Conditions:
ATP1A3-related disorder. Also called: ATP1A3-related disorders; ATP1A3-related condition. Identifiers: MedGen CN381097.
Dystonia 12 (DYT12). Also called: Rapid-Onset Dystonia-Parkinsonism (RDP); DYT-ATP1A3. Identifiers: Orphanet 71517, MedGen C1868681, MONDO:0007496, OMIM 128235.

gnomAD v4.1: 15 of 1,614,018 alleles (0.00093%); highest among the groups gnomAD compares: African/African-American, 0.0013%; no homozygotes.

Submissions (2):

PreventionGenetics, part of Exact Sciences
Classification: Uncertain significance for ATP1A3-related condition. Last evaluated: 2026-07-13. Review status: criteria provided, single submitter. Criteria: ACMG Guidelines, 2015. Collection method: clinical testing. Allele origin: germline.
Comment: The ATP1A3 c.97C>T variant is predicted to result in the amino acid substitution p.Arg33Trp. To our knowledge, this variant has not been reported in the literature. This variant is reported in 0.0018% of alleles in individuals of European (Non-Finnish) descent in gnomAD. At this time, the clinical significance of this variant is uncertain due to the absence of conclusive functional and genetic evidence.

Labcorp Genetics (formerly Invitae), Labcorp
Classification: Uncertain significance for Dystonia 12. Last evaluated: 2024-01-29. Review status: criteria provided, single submitter. Criteria: Invitae Variant Classification Sherloc (09022015). Collection method: clinical testing. Allele origin: germline.
Comment: This sequence change replaces arginine, which is basic and polar, with tryptophan, which is neutral and slightly polar, at codon 20 of the ATP1A3 protein (p.Arg20Trp). This variant is present in population databases (no rsID available, gnomAD 0.0009%). This variant has not been reported in the literature in individuals affected with ATP1A3-related conditions. Advanced modeling of protein sequence and biophysical properties (such as structural, functional, and spatial information, amino acid conservation, physicochemical variation, residue mobility, and thermodynamic stability) has been performed at Invitae for this missense variant, however the output from this modeling did not meet the statistical confidence thresholds required to predict the impact of this variant on ATP1A3 protein function. In summary, the available evidence is currently insufficient to determine the role of this variant in disease. Therefore, it has been classified as a Variant of Uncertain Significance.